The following is an entry in ClinVar:

NM_000383.4(AIRE):c.1517G>T (p.Ser506Ile)

Genes: AIRE (autoimmune regulator; plus strand), LOC130066813 (ATAC-STARR-seq lymphoblastoid silent region 13378; plus strand). Cytogenetic location: 21q22.3.
Variant type: single nucleotide variant.
Coding change: c.1517G>T on transcript NM_000383.4 (MANE Select); coding-DNA position 1517, G replaced by T.
Protein change: p.Ser506Ile; replaces serine 506 with isoleucine.
Molecular consequence: missense variant.
Genome position (GRCh38, 1-based): chr21:44,296,396, G>T. VCF-style: chr21-44296396-G-T. GRCh37 (hg19) VCF-style: chr21-45716279-G-T.
Other names: short protein forms S506I.
Identifiers: ClinVar variation 2804679 (VCV002804679.4), dbSNP rs2517888673, ClinGen allele CA410426086.
Genomic context (GRCh38, chr21:44,296,396, plus strand): 5'-CAGGGCTGTGGGAGTTGGGCTGACCTCTTCTCTTTACTGGGTTCCAGGATGACACTGCCA[G>T]TCACGAGCCCGCTCTGCACAGGGATGACCTGGAGTCCCTTCTGAGCGAGGTAACGCCTCC-3'
Protein context (NP_000374.1, residues 496-516): APGPAKDDTA[Ser506Ile]HEPALHRDDL

ClinVar aggregate classification (germline): Uncertain significance. Review status: criteria provided, multiple submitters, no conflicts (2 of 4 stars). 2 submissions from 2 submitters: Uncertain significance (2). Last evaluated 2023-03-09.

Conditions:
Polyglandular autoimmune syndrome, type 1 (APS1). Also called: Autoimmune polyendocrinopathy syndrome , type I, with or without reversible metaphyseal dysplasia; HYPOADRENOCORTICISM WITH HYPOPARATHYROIDISM AND SUPERFICIAL MONILIASIS; PGA I; AUTOIMMUNE POLYENDOCRINE SYNDROME, TYPE I, WITH OR WITHOUT REVERSIBLE METAPHYSEAL DYSPLASIA; APS I; Autoimmune polyendocrinopathy syndrome, type I. Identifiers: Orphanet 3453, MedGen C0085859, MONDO:0009411, OMIM 240300.

Submissions (2):

Labcorp Genetics (formerly Invitae), Labcorp
Classification: Uncertain significance for Polyglandular autoimmune syndrome, type 1. Last evaluated: 2023-03-09. Review status: criteria provided, single submitter. Criteria: Invitae Variant Classification Sherloc (09022015). Collection method: clinical testing. Allele origin: germline.
Comment: This sequence change replaces serine, which is neutral and polar, with isoleucine, which is neutral and non-polar, at codon 506 of the AIRE protein (p.Ser506Ile). This variant is not present in population databases (gnomAD no frequency). This variant has not been reported in the literature in individuals affected with AIRE-related conditions. Advanced modeling of protein sequence and biophysical properties (such as structural, functional, and spatial information, amino acid conservation, physicochemical variation, residue mobility, and thermodynamic stability) performed at Invitae indicates that this missense variant is not expected to disrupt AIRE protein function. In summary, the available evidence is currently insufficient to determine the role of this variant in disease. Therefore, it has been classified as a Variant of Uncertain Significance.

Blueprint Genetics
Classification: Uncertain significance. Last evaluated: 2019-05-13. Review status: criteria provided, single submitter. Criteria: ACMG Guidelines, 2015. Collection method: clinical testing. Allele origin: germline.